The following is an entry in ClinVar:

ClinVar aggregate classification (germline): Benign. Review status: criteria provided, single submitter (1 of 4 stars). 2 submissions from 2 submitters: Benign (1). 1 of the submissions does not count toward it. Last evaluated 2026-01-29.

Conditions:
KMT2D-related disorder. Also called: KMT2D-Related Disorders.
Kabuki syndrome. Also called: NIIKAWA-KUROKI SYNDROME; Kabuki make-up syndrome. Identifiers: Orphanet 2322, MedGen C0796004, MONDO:0016512.

Allele frequency attached by ClinVar (database versions not stated): ExAC 0.00002; gnomAD 0.00005; TOPMed 0.00006; ESP Exome Variant Server 0.00008.
gnomAD v4.1: 26 of 1,610,806 alleles (0.0016%); highest among the groups gnomAD compares: African/African-American, 0.021%; no homozygotes.

Submissions (2):

Labcorp Genetics (formerly Invitae), Labcorp
Classification: Benign for Kabuki syndrome. Last evaluated: 2026-01-29. Review status: criteria provided, single submitter. Criteria: Invitae Variant Classification Sherloc (09022015). Collection method: clinical testing. Allele origin: germline.

PreventionGenetics, part of Exact Sciences
Classification: Uncertain significance for KMT2D-related condition. Last evaluated: 2024-01-19. Review status: no assertion criteria provided. Collection method: clinical testing. Allele origin: germline. Not counted in ClinVar's aggregate classification.
Comment: The KMT2D c.14879G>A variant is predicted to result in the amino acid substitution p.Arg4960Gln. To our knowledge, this variant has not been reported in the literature. This variant is reported in 0.017% of alleles in individuals of African descent in gnomAD. At this time, the clinical significance of this variant is uncertain due to the absence of conclusive functional and genetic evidence.

NM_003482.4(KMT2D):c.14879G>A (p.Arg4960Gln)

Gene: KMT2D (lysine methyltransferase 2D; minus strand). Cytogenetic location: 12q13.12.
Variant type: single nucleotide variant.
Coding change: c.14879G>A on transcript NM_003482.4 (MANE Select); coding-DNA position 14879, G replaced by A.
Protein change: p.Arg4960Gln; replaces arginine 4960 with glutamine.
Molecular consequence: missense variant.
Genome position (GRCh38, 1-based): chr12:49,027,087, C>T on the plus strand (G>A on the coding strand, the complement: KMT2D is on the minus strand). VCF-style: chr12-49027087-C-T. GRCh37 (hg19) VCF-style: chr12-49420870-C-T.
Other names: short protein forms R4960Q.
Identifiers: ClinVar variation 2163077 (VCV002163077.6), dbSNP rs370465399, ClinGen allele CA6545648.